The following is an entry in ClinVar:

ClinVar aggregate classification (germline): Uncertain significance (1 of 4 stars; one submission).

Conditions:
Hepatic veno-occlusive disease-immunodeficiency syndrome. Also called: Hepatic Veno-Occlusive Disease with Immunodeficiency. Identifiers: Orphanet 79124, MedGen C1856128, MONDO:0009338, OMIM 235550. Disease mechanism: loss of function.

Submission:

Labcorp Genetics (formerly Invitae), Labcorp
Classification: Uncertain significance for Hepatic veno-occlusive disease-immunodeficiency syndrome. Last evaluated: 2021-05-13. Review status: criteria provided, single submitter. Criteria: Invitae Variant Classification Sherloc (09022015). Collection method: clinical testing. Allele origin: germline.
Comment: This sequence change replaces glutamic acid with glutamine at codon 251 of the SP110 protein (p.Glu251Gln). The glutamic acid residue is weakly conserved and there is a small physicochemical difference between glutamic acid and glutamine. This variant also falls at the last nucleotide of exon 6, which is part of the consensus splice site for this exon. The frequency data for this variant in the population databases is not available, as this variant may be reported as separate entries in the ExAC database. This variant has not been reported in the literature in individuals with SP110-related conditions. Nucleotide substitutions within the consensus splice site are a relatively common cause of aberrant splicing (PMID: 17576681, 9536098). Algorithms developed to predict the effect of sequence changes on RNA splicing suggest that this variant may disrupt the consensus splice site, but this prediction has not been confirmed by published transcriptional studies. In summary, the available evidence is currently insufficient to determine the role of this variant in disease. Therefore, it has been classified as a Variant of Uncertain Significance.

Literature cited by the submitters: PubMed 17576681; PubMed 9536098.

NM_080424.4(SP110):c.750_751delinsCC (p.Glu251Gln)

Genes: SP110 (SP110 nuclear body protein; minus strand), SP140 (SP140 nuclear body protein; plus strand). Cytogenetic location: 2q37.1.
Variant type: Indel.
Coding change: c.750_751delinsCC on transcript NM_080424.4 (MANE Select); coding-DNA positions 750 to 751, AG replaced by CC.
Protein change: p.Glu251Gln; replaces glutamic acid 251 with glutamine.
Molecular consequence: missense variant.
Genome position (GRCh38, 1-based): chr2:230,211,470-230,211,471, CT replaced by GG on the plus strand (AG replaced by CC on the coding strand, the reverse complement: SP110 is on the minus strand). VCF-style: chr2-230211470-CT-GG. GRCh37 (hg19) VCF-style: chr2-231076185-CT-GG.
Other names: c.768_769delinsCC, p.Glu257Gln (NM_001185015.2, NM_001378442.1, NM_001378444.1 and 2 more transcripts); c.750_751delinsCC, p.Glu251Gln (NM_001378443.1, NM_001378447.1, NM_004509.5 and 1 more transcripts); short protein forms E251Q, E257Q.
Identifiers: ClinVar variation 1420912 (VCV001420912.6), dbSNP rs2148917098, ClinGen allele CA2573135499.